The following is an entry in ClinVar:

ClinVar aggregate classification (germline): Uncertain significance (1 of 4 stars; one submission).

Allele frequency attached by ClinVar (database versions not stated): gnomAD exomes below 0.00001; TOPMed below 0.00001.
gnomAD v4.1: 2 of 1,592,932 alleles (0.00013%); highest among the groups gnomAD compares: Non-Finnish European, 0.00017%; no homozygotes.

Submission:

Labcorp Genetics (formerly Invitae), Labcorp
Classification: Uncertain significance. Last evaluated: 2023-07-17. Review status: criteria provided, single submitter. Criteria: Invitae Variant Classification Sherloc (09022015). Collection method: clinical testing. Allele origin: germline.
Comment: Algorithms developed to predict the effect of missense changes on protein structure and function output the following: SIFT: "Not Available"; PolyPhen-2: "Benign"; Align-GVGD: "Not Available". The valine amino acid residue is found in multiple mammalian species, which suggests that this missense change does not adversely affect protein function. In summary, the available evidence is currently insufficient to determine the role of this variant in disease. Therefore, it has been classified as a Variant of Uncertain Significance. ClinVar contains an entry for this variant (Variation ID: 1953681). This variant has not been reported in the literature in individuals affected with CHD8-related conditions. This variant is not present in population databases (gnomAD no frequency). This sequence change replaces isoleucine, which is neutral and non-polar, with valine, which is neutral and non-polar, at codon 128 of the CHD8 protein (p.Ile128Val).

NM_001170629.2(CHD8):c.382A>G (p.Ile128Val)

Gene: CHD8 (chromodomain helicase DNA binding protein 8; minus strand). Cytogenetic location: 14q11.2.
Variant type: single nucleotide variant.
Coding change: c.382A>G on transcript NM_001170629.2 (MANE Select); coding-DNA position 382, A replaced by G.
Protein change: p.Ile128Val; replaces isoleucine 128 with valine.
Molecular consequence: missense variant. On other transcripts: intron variant (1).
Genome position (GRCh38, 1-based): chr14:21,431,262, T>C on the plus strand (A>G on the coding strand, the complement: CHD8 is on the minus strand). VCF-style: chr14-21431262-T-C. GRCh37 (hg19) VCF-style: chr14-21899421-T-C.
Other names: c.6+549A>G (NM_020920.4); short protein forms I128V.
Identifiers: ClinVar variation 1953681 (VCV001953681.5), dbSNP rs1889551133, ClinGen allele CA388888979.